The following is an entry in ClinVar:

NM_000051.4(ATM):c.1598G>T (p.Arg533Ile)

Gene: ATM (ATM serine/threonine kinase; plus strand). Cytogenetic location: 11q22.3.
Variant type: single nucleotide variant.
Coding change: c.1598G>T on transcript NM_000051.4 (MANE Select); coding-DNA position 1598, G replaced by T.
Protein change: p.Arg533Ile; replaces arginine 533 with isoleucine.
Molecular consequence: missense variant.
Genome position (GRCh38, 1-based): chr11:108,251,063, G>T. VCF-style: chr11-108251063-G-T. GRCh37 (hg19) VCF-style: chr11-108121790-G-T.
Other names: c.1598G>T, p.Arg533Ile (NM_001351834.2); short protein forms R533I.
Identifiers: ClinVar variation 938076 (VCV000938076.9), dbSNP rs2080121541, ClinGen allele CA382534437.
Genomic context (GRCh38, chr11:108,251,063, plus strand): 5'-AGGGTAGTTTAGTTGAGGTTGACAGAGAATTCTGGAAGTTATTTACTGGGTCAGCCTGCA[G>T]ACCTTCATGGTAAGTTCAGCATGCATTATGTCTGACTTACAGATAAACACACACAGACAC-3'
Protein context (NP_000042.3, residues 523-543): FWKLFTGSAC[Arg533Ile]PSCPAVCCLT

ClinVar aggregate classification (germline): Uncertain significance (1 of 4 stars; one submission).

Conditions:
Ataxia-telangiectasia syndrome (AT). Also called: Cerebello-oculocutaneous telangiectasia; Immunodeficiency with ataxia telangiectasia; LOUIS-BAR SYNDROME; AT, COMPLEMENTATION GROUP C; ATAXIA-TELANGIECTASIA, COMPLEMENTATION GROUP A; ATAXIA-TELANGIECTASIA, FRESNO VARIANT. Identifiers: Orphanet 100, MedGen C0004135, MONDO:0008840, OMIM 208900.

Allele frequency attached by ClinVar (database versions not stated): gnomAD exomes below 0.00001.

Submission:

Labcorp Genetics (formerly Invitae), Labcorp
Classification: Uncertain significance for Ataxia-telangiectasia syndrome. Last evaluated: 2023-08-31. Review status: criteria provided, single submitter. Criteria: Invitae Variant Classification Sherloc (09022015). Collection method: clinical testing. Allele origin: germline.
Comment: This sequence change replaces arginine, which is basic and polar, with isoleucine, which is neutral and non-polar, at codon 533 of the ATM protein (p.Arg533Ile). This variant is not present in population databases (gnomAD no frequency). In summary, the available evidence is currently insufficient to determine the role of this variant in disease. Therefore, it has been classified as a Variant of Uncertain Significance. An algorithm developed to predict the effect of missense changes on protein structure and function (PolyPhen-2) suggests that this variant is likely to be tolerated. ClinVar contains an entry for this variant (Variation ID: 938076). This variant has not been reported in the literature in individuals affected with ATM-related conditions.